The following is an entry in ClinVar:

ClinVar aggregate classification (germline): Uncertain significance (1 of 4 stars; one submission).

Submission:

GeneDx
Classification: Uncertain significance. Last evaluated: 2017-09-21. Review status: criteria provided, single submitter. Criteria: GeneDx Variant Classification (06012015). Collection method: clinical testing. Allele origin: germline. Affected: yes.
Comment: The R570K variant in the COL25A1 gene has not been reported previously as a pathogenic variant, nor as a benign variant, to our knowledge. This variant is not observed in large population cohorts (Lek et al., 2016). The R570K variant is a conservative amino acid substitution, which is not likely to impact secondary protein structure as these residues share similar properties. This substitution occurs at a position that is conserved across species. In silico analysis is inconsistent in its predictions as to whether or not the variant is damaging to the protein structure/function. We interpret R570K as a variant of uncertain significance.

NM_198721.4(COL25A1):c.1709G>A (p.Arg570Lys)

Gene: COL25A1 (collagen type XXV alpha 1 chain; minus strand). Cytogenetic location: 4q25.
Variant type: single nucleotide variant.
Coding change: c.1709G>A on transcript NM_198721.4 (MANE Select); coding-DNA position 1709, G replaced by A.
Protein change: p.Arg570Lys; replaces arginine 570 with lysine.
Molecular consequence: missense variant. On other transcripts: non-coding transcript variant (1).
Genome position (GRCh38, 1-based): chr4:108,832,381, C>T on the plus strand (G>A on the coding strand, the complement: COL25A1 is on the minus strand). VCF-style: chr4-108832381-C-T. GRCh37 (hg19) VCF-style: chr4-109753537-C-T.
Other names: c.1745G>A, p.Arg582Lys (NM_001256074.3); c.1709G>A, p.Arg570Lys (NM_032518.4); short protein forms R570K, R582K.
Identifiers: ClinVar variation 452084 (VCV000452084.2), dbSNP rs1553944572, ClinGen allele CA357845973.